The following is an entry in ClinVar:

ClinVar aggregate classification (germline): Likely benign (0 of 4 stars; one submission).

Conditions:
NPHP4-related disorder. Also called: NPHP4-related disorders; NPHP4-related condition. Identifiers: MedGen CN239384.

gnomAD v4.1: 3 of 1,613,482 alleles (0.00019%); no homozygotes.

Submission:

PreventionGenetics, part of Exact Sciences
Classification: Likely benign for NPHP4-related condition. Last evaluated: 2023-06-11. Review status: no assertion criteria provided. Collection method: clinical testing. Allele origin: germline.
Comment: This variant is classified as likely benign based on ACMG/AMP sequence variant interpretation guidelines (Richards et al. 2015 PMID: 25741868, with internal and published modifications).

NM_015102.5(NPHP4):c.2442C>T (p.His814=)

Gene: NPHP4 (nephrocystin 4; minus strand). Cytogenetic location: 1p36.31.
Variant type: single nucleotide variant.
Coding change: c.2442C>T on transcript NM_015102.5 (MANE Select); coding-DNA position 2442, C replaced by T.
Protein change: p.His814=; no amino-acid change (histidine 814 retained).
Molecular consequence: synonymous variant. On other transcripts: non-coding transcript variant (1).
Genome position (GRCh38, 1-based): chr1:5,887,329, G>A on the plus strand (C>T on the coding strand, the complement: NPHP4 is on the minus strand). VCF-style: chr1-5887329-G-A. GRCh37 (hg19) VCF-style: chr1-5947389-G-A.
Other names: c.903C>T, p.His301= (NM_001291593.2); c.906C>T, p.His302= (NM_001291594.2).
Identifiers: ClinVar variation 3048667 (VCV003048667.2), dbSNP rs1439684838, ClinGen allele CA415790511.